The following is an entry in ClinVar:

NM_138694.4(PKHD1):c.6898A>G (p.Asn2300Asp)

Gene: PKHD1 (PKHD1 ciliary IPT domain containing fibrocystin/polyductin; minus strand). Cytogenetic location: 6p12.2.
Variant type: single nucleotide variant.
Coding change: c.6898A>G on transcript NM_138694.4 (MANE Select); coding-DNA position 6898, A replaced by G.
Protein change: p.Asn2300Asp; replaces asparagine 2300 with aspartic acid.
Molecular consequence: missense variant.
Genome position (GRCh38, 1-based): chr6:51,903,695, T>C on the plus strand (A>G on the coding strand, the complement: PKHD1 is on the minus strand). VCF-style: chr6-51903695-T-C. GRCh37 (hg19) VCF-style: chr6-51768493-T-C.
Other names: c.6898A>G, p.Asn2300Asp (NM_170724.3); short protein forms N2300D.
Identifiers: ClinVar variation 1687608 (VCV001687608.1), dbSNP rs2127622765, ClinGen allele CA364429985.

ClinVar aggregate classification (germline): Uncertain significance (1 of 4 stars; one submission).

Conditions:
Polycystic kidney disease 4 (PKD4). Also called: POLYCYSTIC KIDNEY DISEASE 4 WITH OR WITHOUT POLYCYSTIC LIVER DISEASE; POLYCYSTIC KIDNEY AND HEPATIC DISEASE 1; POLYCYSTIC KIDNEY DISEASE, INFANTILE, TYPE I; PKD3; Autosomal Recessive Polycystic Kidney Disease – PKHD1. Identifiers: MedGen C4540575, MONDO:0033004, OMIM 263200.

Submission:

3billion
Classification: Uncertain significance for Polycystic kidney disease 4. Last evaluated: 2022-05-22. Review status: criteria provided, single submitter. Criteria: ACMG Guidelines, 2015. Collection method: clinical testing. Allele origin: germline. Affected: yes. Observed: 1 heterozygote.
Comment: The variant is not observed in the gnomAD v2.1.1 dataset. Protein truncation variants are a common disease-causing mechanism. A different missense change at the same codon (p.Asn2300Lys) has been reported to be associated with PKHD1 related disorder (PMID: 27225849). However the evidence of pathogenicity is insufficient at this time. Therefore, this variant is classified as uncertain significanceaccording to the recommendation of ACMG/AMP guideline.

Literature cited by the submitters: PubMed 27225849.